The following is an entry in ClinVar:

ClinVar aggregate classification (germline): Likely benign. Review status: criteria provided, multiple submitters, no conflicts (2 of 4 stars). 2 submissions from 2 submitters: Likely benign (2). Last evaluated 2025-07-01.

Conditions:
MCM2-related disorder. Also called: MCM2-related condition.

gnomAD v4.1: 87 of 1,613,272 alleles (0.0054%); highest among the groups gnomAD compares: African/African-American, 0.1%; no homozygotes.

Submissions (2):

Labcorp Genetics (formerly Invitae), Labcorp
Classification: Likely benign. Last evaluated: 2025-07-01. Review status: criteria provided, single submitter. Criteria: Invitae Variant Classification Sherloc (09022015). Collection method: clinical testing. Allele origin: germline.

PreventionGenetics, part of Exact Sciences
Classification: Likely benign for MCM2-related condition. Last evaluated: 2024-12-09. Review status: criteria provided, single submitter. Criteria: ACMG Guidelines, 2015. Collection method: clinical testing. Allele origin: germline.
Comment: This variant is classified as likely benign based on ACMG/AMP sequence variant interpretation guidelines (Richards et al. 2015 PMID: 25741868, with internal and published modifications).

NM_004526.4(MCM2):c.278A>C (p.Glu93Ala)

Gene: MCM2 (minichromosome maintenance complex component 2; plus strand). Cytogenetic location: 3q21.3.
Variant type: single nucleotide variant.
Coding change: c.278A>C on transcript NM_004526.4 (MANE Select); coding-DNA position 278, A replaced by C.
Protein change: p.Glu93Ala; replaces glutamic acid 93 with alanine.
Molecular consequence: missense variant. On other transcripts: non-coding transcript variant (1).
Genome position (GRCh38, 1-based): chr3:127,604,649, A>C. VCF-style: chr3-127604649-A-C. GRCh37 (hg19) VCF-style: chr3-127323492-A-C.
Other names: c.278A>C (NM_004526.3); short protein forms E93A.
Identifiers: ClinVar variation 4802724 (VCV004802724.2).